The following is an entry in ClinVar:

NM_170707.4(LMNA):c.991C>G (p.Arg331Gly)

Gene: LMNA (lamin A/C; plus strand). Cytogenetic location: 1q22.
Variant type: single nucleotide variant.
Coding change: c.991C>G on transcript NM_170707.4 (MANE Select); coding-DNA position 991, C replaced by G.
Protein change: p.Arg331Gly; replaces arginine 331 with glycine.
Molecular consequence: missense variant.
Genome position (GRCh38, 1-based): chr1:156,135,955, C>G. VCF-style: chr1-156135955-C-G. GRCh37 (hg19) VCF-style: chr1-156105746-C-G.
Other names: c.748C>G, p.Arg250Gly (NM_001406987.1, NM_001282624.2, NM_001406986.1); c.694C>G, p.Arg232Gly (NM_001406988.1); c.655C>G, p.Arg219Gly (NM_001406989.1, NM_001257374.3, NM_001406998.1); c.433C>G, p.Arg145Gly (NM_001406990.1, NM_001406993.1, NM_001406995.1 and 4 more transcripts); c.991C>G, p.Arg331Gly (NM_001406991.1, NM_001406992.1, NM_170708.4 and 6 more transcripts); c.367C>G, p.Arg123Gly (NM_001406994.1, NM_001406999.1, NM_001407000.1 and 1 more transcripts); short protein forms R145G, R232G, R250G, R219G, R123G, R331G.
Identifiers: ClinVar variation 3689505 (VCV003689505.2).

ClinVar aggregate classification (germline): Likely pathogenic (1 of 4 stars; one submission).

Conditions:
Charcot-Marie-Tooth disease type 2. Also called: Charcot-Marie-Tooth type 2. Identifiers: Orphanet 64746, MedGen C0270914, MONDO:0018993.

gnomAD v4.1: 1 of 1,613,856 alleles (0.000062%); highest among the groups gnomAD compares: Non-Finnish European, 0.000085%; no homozygotes.

Submission:

Labcorp Genetics (formerly Invitae), Labcorp
Classification: Likely pathogenic for Charcot-Marie-Tooth disease type 2. Last evaluated: 2024-10-01. Review status: criteria provided, single submitter. Criteria: Invitae Variant Classification Sherloc (09022015). Collection method: clinical testing. Allele origin: germline.
Comment: This sequence change replaces arginine, which is basic and polar, with glycine, which is neutral and non-polar, at codon 331 of the LMNA protein (p.Arg331Gly). This variant is not present in population databases (gnomAD no frequency). This variant has not been reported in the literature in individuals affected with LMNA-related conditions. Invitae Evidence Modeling of protein sequence and biophysical properties (such as structural, functional, and spatial information, amino acid conservation, physicochemical variation, residue mobility, and thermodynamic stability) indicates that this missense variant is expected to disrupt LMNA protein function with a positive predictive value of 95%. This variant disrupts the p.Arg331 amino acid residue in LMNA. Other variant(s) that disrupt this residue have been determined to be pathogenic (PMID: 19875404, 23349452, 27532257, 28790152, 29382405). This suggests that this residue is clinically significant, and that variants that disrupt this residue are likely to be disease-causing. In summary, the currently available evidence indicates that the variant is pathogenic, but additional data are needed to prove that conclusively. Therefore, this variant has been classified as Likely Pathogenic.

Literature cited by the submitters: PubMed 19875404; PubMed 23349452; PubMed 27532257; PubMed 28790152; PubMed 29382405.